The following is an entry in ClinVar:

NM_032737.4(LMNB2):c.542G>A (p.Arg181Gln)

Gene: LMNB2 (lamin B2; minus strand). Cytogenetic location: 19p13.3.
Variant type: single nucleotide variant.
Coding change: c.542G>A on transcript NM_032737.4 (MANE Select); coding-DNA position 542, G replaced by A.
Protein change: p.Arg181Gln; replaces arginine 181 with glutamine.
Molecular consequence: missense variant.
Genome position (GRCh38, 1-based): chr19:2,438,391, C>T on the plus strand (G>A on the coding strand, the complement: LMNB2 is on the minus strand). VCF-style: chr19-2438391-C-T. GRCh37 (hg19) VCF-style: chr19-2438389-C-T.
Other names: c.482G>A (NM_032737.2); short protein forms R181Q.
Identifiers: ClinVar variation 953996 (VCV000953996.8), dbSNP rs781346530, ClinGen allele CA9067861.

ClinVar aggregate classification (germline): Uncertain significance. Review status: criteria provided, multiple submitters, no conflicts (2 of 4 stars). 2 submissions from 2 submitters: Uncertain significance (2). Last evaluated 2025-03-10.

Conditions:
Lipodystrophy, partial, acquired, susceptibility to (APLD). Also called: APLD, SUSCEPTIBILITY TO. Identifiers: MedGen C3887501, MONDO:0100476, OMIM 608709.
Progressive myoclonic epilepsy type 9. Identifiers: Orphanet 457265, MedGen C4225289, MONDO:0014685, OMIM 616540.

Allele frequency attached by ClinVar (database versions not stated): gnomAD exomes 0.00003 and 0.00004; ExAC 0.00004; gnomAD 0.00007 and 0.00008; TOPMed 0.00009.
gnomAD v4.1: 64 of 1,612,818 alleles (0.004%); highest among the groups gnomAD compares: East Asian, 0.016%; no homozygotes.

Submissions (2):

Ambry Genetics
Classification: Uncertain significance. Last evaluated: 2025-03-10. Review status: criteria provided, single submitter. Criteria: Ambry Variant Classification Scheme 2023. Collection method: clinical testing. Allele origin: germline.

Labcorp Genetics (formerly Invitae), Labcorp
Classification: Uncertain significance for Progressive myoclonic epilepsy type 9; Lipodystrophy, partial, acquired, susceptibility to. Last evaluated: 2023-11-18. Review status: criteria provided, single submitter. Criteria: Invitae Variant Classification Sherloc (09022015). Collection method: clinical testing. Allele origin: germline.
Comment: This sequence change replaces arginine, which is basic and polar, with glutamine, which is neutral and polar, at codon 181 of the LMNB2 protein (p.Arg181Gln). This variant is present in population databases (rs781346530, gnomAD 0.02%). This variant has not been reported in the literature in individuals affected with LMNB2-related conditions. ClinVar contains an entry for this variant (Variation ID: 953996). Advanced modeling of protein sequence and biophysical properties (such as structural, functional, and spatial information, amino acid conservation, physicochemical variation, residue mobility, and thermodynamic stability) performed at Invitae indicates that this missense variant is not expected to disrupt LMNB2 protein function with a negative predictive value of 80%. In summary, the available evidence is currently insufficient to determine the role of this variant in disease. Therefore, it has been classified as a Variant of Uncertain Significance.